The following is an entry in ClinVar:

ClinVar aggregate classification (germline): Likely benign (1 of 4 stars; one submission).

Allele frequency attached by ClinVar (database versions not stated): ESP Exome Variant Server 0.00146; ExAC 0.00199; gnomAD 0.00212; 1000 Genomes Project 0.00240; TOPMed 0.00244; 1000 Genomes Project 30x 0.00281.
gnomAD v4.1: 3,877 of 1,614,140 alleles (0.24%); highest among the groups gnomAD compares: Middle Eastern, 1.4%; 12 homozygotes.

Submission:

CeGaT Center for Human Genetics Tuebingen
Classification: Likely benign. Last evaluated: 2022-12-01. Review status: criteria provided, single submitter. Criteria: CeGaT Center For Human Genetics Tuebingen Variant Classification Criteria Version 2. Collection method: clinical testing. Allele origin: germline. Affected: yes. Observed: 1 variant allele.
Comment: PCDHA1: BS2; PCDHA2: BP4, BS2

NM_018905.3(PCDHA2):c.420C>G (p.Ile140Met)

Genes: PCDHA1 (protocadherin alpha 1; plus strand), PCDHA2 (protocadherin alpha 2; plus strand), PCDHA@ (protocadherin alpha cluster, complex locus; plus strand). Cytogenetic location: 5q31.3.
Variant type: single nucleotide variant.
Coding change: c.420C>G on transcript NM_018905.3 (MANE Select); coding-DNA position 420, C replaced by G.
Protein change: p.Ile140Met; replaces isoleucine 140 with methionine.
Molecular consequence: missense variant. On other transcripts: intron variant (2).
Genome position (GRCh38, 1-based): chr5:140,795,384, C>G. VCF-style: chr5-140795384-C-G. GRCh37 (hg19) VCF-style: chr5-140174969-C-G.
Other names: c.420C>G, p.Ile140Met (NM_031495.2, NM_031496.2); c.2394+6700C>G (NM_018900.4); c.1602+7492C>G (NM_031411.3); short protein forms I140M.
Identifiers: ClinVar variation 2655747 (VCV002655747.24), dbSNP rs144974749, ClinGen allele CA3445634.